The following is an entry in ClinVar:

ClinVar aggregate classification (germline): Uncertain significance. Review status: criteria provided, multiple submitters, no conflicts (2 of 4 stars). 2 submissions from 2 submitters: Uncertain significance (2). Last evaluated 2024-07-18.

Conditions:
Focal segmental glomerulosclerosis 2 (FSGS2). Identifiers: Orphanet 656, MedGen C1858915, MONDO:0011390, OMIM 603965.

gnomAD v4.1: 3 of 1,581,174 alleles (0.00019%); highest among the groups gnomAD compares: Non-Finnish European, 0.00017%; no homozygotes.

Submissions (2):

MVZ Medizinische Genetik Mainz
Classification: Uncertain significance for Focal segmental glomerulosclerosis 2. Last evaluated: 2024-07-18. Review status: criteria provided, single submitter. Criteria: UK Practice Guidelines For Variant Classification V4 01 2020. Collection method: clinical testing. Allele origin: germline. Inheritance: Autosomal dominant inheritance. Affected: yes. Observed: 1 variant allele.
Comment: ACMG Criteria: PM2_SUP,PP3

Fulgent Genetics
Classification: Uncertain significance for Focal segmental glomerulosclerosis 2. Last evaluated: 2024-01-23. Review status: criteria provided, single submitter. Criteria: ACMG Guidelines, 2015. Collection method: clinical testing. Allele origin: germline.

NM_004621.6(TRPC6):c.170+5G>C

Gene: TRPC6 (transient receptor potential cation channel subfamily C member 6; minus strand). Cytogenetic location: 11q22.1.
Variant type: single nucleotide variant.
Coding change: c.170+5G>C on transcript NM_004621.6 (MANE Select); 5 bases into the intron after coding-DNA position 170, G replaced by C.
Molecular consequence: intron variant.
Genome position (GRCh38, 1-based): chr11:101,583,329, C>G on the plus strand (G>C on the coding strand, the complement: TRPC6 is on the minus strand). VCF-style: chr11-101583329-C-G. GRCh37 (hg19) VCF-style: chr11-101454060-C-G.
Identifiers: ClinVar variation 3338409 (VCV003338409.2).